The following is an entry in ClinVar:

ClinVar aggregate classification (germline): Uncertain significance. Review status: criteria provided, multiple submitters, no conflicts (2 of 4 stars). 2 submissions from 2 submitters: Uncertain significance (2). Last evaluated 2023-10-22.

Conditions:
Hereditary cancer-predisposing syndrome. Also called: Neoplastic Syndromes, Hereditary; Tumor predisposition; Hereditary Cancer Syndrome; Hereditary neoplastic syndrome. Identifiers: Orphanet 140162, MedGen C0027672, MeSH D009386, MONDO:0015356.
Gorlin syndrome. Also called: Nevoid Basal Cell Carcinoma Syndrome; Basal cell nevus syndrome. Identifiers: Orphanet 377, MedGen C0004779, MONDO:0007187.

Allele frequency attached by ClinVar (database versions not stated): gnomAD exomes below 0.00001; TOPMed below 0.00001; gnomAD 0.00001.

Submissions (2):

Labcorp Genetics (formerly Invitae), Labcorp
Classification: Uncertain significance for Gorlin syndrome. Last evaluated: 2023-10-22. Review status: criteria provided, single submitter. Criteria: Invitae Variant Classification Sherloc (09022015). Collection method: clinical testing. Allele origin: germline.
Comment: This sequence change replaces glycine, which is neutral and non-polar, with aspartic acid, which is acidic and polar, at codon 14 of the PTCH1 protein (p.Gly14Asp). This variant is not present in population databases (gnomAD no frequency). This variant has not been reported in the literature in individuals affected with PTCH1-related conditions. ClinVar contains an entry for this variant (Variation ID: 566538). Advanced modeling of protein sequence and biophysical properties (such as structural, functional, and spatial information, amino acid conservation, physicochemical variation, residue mobility, and thermodynamic stability) performed at Invitae indicates that this missense variant is not expected to disrupt PTCH1 protein function. In summary, the available evidence is currently insufficient to determine the role of this variant in disease. Therefore, it has been classified as a Variant of Uncertain Significance.

Ambry Genetics
Classification: Uncertain significance for Hereditary cancer-predisposing syndrome. Last evaluated: 2023-04-07. Review status: criteria provided, single submitter. Criteria: Ambry Variant Classification Scheme 2023. Collection method: clinical testing. Allele origin: germline.
Comment: The p.G14D variant (also known as c.41G>A), located in coding exon 1 of the PTCH1 gene, results from a G to A substitution at nucleotide position 41. The glycine at codon 14 is replaced by aspartic acid, an amino acid with similar properties. This amino acid position is conserved. In addition, this alteration is predicted to be tolerated by in silico analysis. Since supporting evidence is limited at this time, the clinical significance of this alteration remains unclear.

NM_000264.5(PTCH1):c.41G>A (p.Gly14Asp)

Genes: PTCH1 (patched 1; minus strand), LOC130002133 (ATAC-STARR-seq lymphoblastoid silent region 20071; plus strand). Cytogenetic location: 9q22.32.
Variant type: single nucleotide variant.
Coding change: c.41G>A on transcript NM_000264.5 (MANE Select); coding-DNA position 41, G replaced by A.
Protein change: p.Gly14Asp; replaces glycine 14 with aspartic acid.
Molecular consequence: missense variant. On other transcripts: non-coding transcript variant (1), intron variant (3).
Genome position (GRCh38, 1-based): chr9:95,508,321, C>T on the plus strand (G>A on the coding strand, the complement: PTCH1 is on the minus strand). VCF-style: chr9-95508321-C-T. GRCh37 (hg19) VCF-style: chr9-98270603-C-T.
Other names: c.41G>A, p.Gly14Asp (NM_001354918.2); c.199-1722G>A (NM_001083603.3); c.4-1722G>A (NM_001083602.3, NM_001354919.2); short protein forms G14D.
Identifiers: ClinVar variation 566538 (VCV000566538.9), dbSNP rs1564091998, ClinGen allele CA374121563.